The following is an entry in ClinVar:

NM_024809.5(TCTN2):c.1165T>C (p.Trp389Arg)

Gene: TCTN2 (tectonic family member 2; plus strand). Cytogenetic location: 12q24.31.
Variant type: single nucleotide variant.
Coding change: c.1165T>C on transcript NM_024809.5 (MANE Select); coding-DNA position 1165, T replaced by C.
Protein change: p.Trp389Arg; replaces tryptophan 389 with arginine.
Molecular consequence: missense variant.
Genome position (GRCh38, 1-based): chr12:123,694,907, T>C. VCF-style: chr12-123694907-T-C. GRCh37 (hg19) VCF-style: chr12-124179454-T-C.
Other names: c.1162T>C, p.Trp388Arg (NM_001143850.3); short protein forms W389R, W388R.
Identifiers: ClinVar variation 1441386 (VCV001441386.7), dbSNP rs200080239, ClinGen allele CA6861125.

ClinVar aggregate classification (germline): Uncertain significance. Review status: criteria provided, multiple submitters, no conflicts (2 of 4 stars). 2 submissions from 2 submitters: Uncertain significance (2). Last evaluated 2024-03-28.

Conditions:
Joubert syndrome 24 (JBTS24). Identifiers: Orphanet 475, MedGen C4084841, MONDO:0014724, OMIM 616654.
Meckel syndrome, type 8. Identifiers: Orphanet 564, MedGen C3836857, MONDO:0013482, OMIM 613885.
Joubert syndrome. Also called: CEREBELLOPARENCHYMAL DISORDER IV; JOUBERT-BOLTSHAUSER SYNDROME; Familial aplasia of the vermis. Identifiers: Orphanet 475, MedGen C5979921, MONDO:0018772.
Meckel-Gruber syndrome. Also called: DYSENCEPHALIA SPLANCHNOCYSTICA; GRUBER SYNDROME; Dysencephalia splachnocystica. Identifiers: Orphanet 564, MedGen C0265215, MONDO:0018921.

Allele frequency attached by ClinVar (database versions not stated): ExAC 0.00002; 1000 Genomes Project 0.00020; 1000 Genomes Project 30x 0.00031.
gnomAD v4.1: 9 of 1,613,432 alleles (0.00056%); highest among the groups gnomAD compares: Admixed American, 0.013%; no homozygotes.

Submissions (2):

Fulgent Genetics
Classification: Uncertain significance for Meckel syndrome, type 8; Joubert syndrome 24. Last evaluated: 2024-03-28. Review status: criteria provided, single submitter. Criteria: ACMG Guidelines, 2015. Collection method: clinical testing. Allele origin: germline.

Labcorp Genetics (formerly Invitae), Labcorp
Classification: Uncertain significance for Joubert syndrome; Meckel-Gruber syndrome. Last evaluated: 2024-02-23. Review status: criteria provided, single submitter. Criteria: Invitae Variant Classification Sherloc (09022015). Collection method: clinical testing. Allele origin: germline.
Comment: This sequence change replaces tryptophan, which is neutral and slightly polar, with arginine, which is basic and polar, at codon 389 of the TCTN2 protein (p.Trp389Arg). This variant is present in population databases (rs200080239, gnomAD 0.01%). This variant has not been reported in the literature in individuals affected with TCTN2-related conditions. ClinVar contains an entry for this variant (Variation ID: 1441386). Advanced modeling of protein sequence and biophysical properties (such as structural, functional, and spatial information, amino acid conservation, physicochemical variation, residue mobility, and thermodynamic stability) performed at Invitae indicates that this missense variant is expected to disrupt TCTN2 protein function with a positive predictive value of 80%. In summary, the available evidence is currently insufficient to determine the role of this variant in disease. Therefore, it has been classified as a Variant of Uncertain Significance.